The following is an entry in ClinVar:

ClinVar aggregate classification (germline): Pathogenic (1 of 4 stars; one submission).

Conditions:
Early-infantile DEE. Also called: Early infantile epileptic encephalopathy with suppression bursts; Early infantile epileptic encephalopathy; Ohtahara syndrome. Identifiers: Orphanet 1934, MedGen C0393706, MONDO:0800491.

Submission:

Labcorp Genetics (formerly Invitae), Labcorp
Classification: Pathogenic for Early-infantile DEE. Last evaluated: 2022-02-14. Review status: criteria provided, single submitter. Criteria: Invitae Variant Classification Sherloc (09022015). Collection method: clinical testing. Allele origin: germline.
Comment: For these reasons, this variant has been classified as Pathogenic. Algorithms developed to predict the effect of sequence changes on RNA splicing suggest that this variant may disrupt the consensus splice site. Disruption of this splice site has been observed in individual(s) with Dravet syndrome (PMID: 17347258, 18930999). In at least one individual the variant was observed to be de novo. This variant is not present in population databases (gnomAD no frequency). This sequence change affects an acceptor splice site in intron 1 of the SCN1A gene. It is expected to disrupt RNA splicing. Variants that disrupt the donor or acceptor splice site typically lead to a loss of protein function (PMID: 16199547), and loss-of-function variants in SCN1A are known to be pathogenic (PMID: 17347258, 18930999).

Literature cited by the submitters: PubMed 17347258; PubMed 18930999; PubMed 16199547.

NM_001165963.4(SCN1A):c.265-1G>C

Gene: SCN1A (sodium voltage-gated channel alpha subunit 1; minus strand). Cytogenetic location: 2q24.3.
Variant type: single nucleotide variant.
Coding change: c.265-1G>C on transcript NM_001165963.4 (MANE Select); the canonical splice acceptor site of the intron before coding-DNA position 265, G replaced by C.
Molecular consequence: splice acceptor variant.
Genome position (GRCh38, 1-based): chr2:166,058,689, C>G on the plus strand (G>C on the coding strand, the complement: SCN1A is on the minus strand). VCF-style: chr2-166058689-C-G. GRCh37 (hg19) VCF-style: chr2-166915199-C-G.
Other names: c.265-1G>C (NM_001353949.2, NM_001353958.2, NM_001353950.2 and 10 more transcripts); c.-2161-1G>C (NM_001353961.2).
Identifiers: ClinVar variation 2203206 (VCV002203206.4), dbSNP rs796052953, ClinGen allele CA349077336.